The following is an entry in ClinVar:

NM_000492.4(CFTR):c.393del (p.Phe131fs)

Gene: CFTR (CF transmembrane conductance regulator; plus strand). Cytogenetic location: 7q31.2.
Variant type: Deletion.
Coding change: c.393del on transcript NM_000492.4 (MANE Select); coding-DNA position 393, one base deleted (T; older notation c.393delT).
Protein change: p.Phe131fs; shifts the reading frame from phenylalanine 131.
Molecular consequence: frameshift variant.
Genome position (GRCh38, 1-based): chr7:117,531,018, T deleted; the last of 3 consecutive T bases (chr7:117,531,016-117,531,018); deleting any one gives the same sequence. VCF-style (leftmost placement, unchanged base first): chr7-117531015-CT-C. GRCh37 (hg19) VCF-style: chr7-117171069-CT-C.
Other names: c.393delT (NM_000492.3); short protein forms F131fs.
Identifiers: ClinVar variation 53859 (VCV000053859.2), dbSNP rs397508647, ClinGen allele CA327359.

ClinVar aggregate classification (germline): Pathogenic. Review status: criteria provided, single submitter (1 of 4 stars). 2 submissions from 2 submitters: Pathogenic (1). 1 of the submissions does not count toward it. Last evaluated 2024-04-25.

Conditions:
CFTR-related disorder (CFTR-RD). Also called: CFTR-related disorders; CFTR-related condition. Identifiers: MedGen C5924204, MONDO:7770004.
Cystic fibrosis (CF). Also called: MUCOVISCIDOSIS. Identifiers: Orphanet 586, MedGen C0010674, MONDO:0009061, OMIM 219700. Disease mechanism: loss of function.

Submissions (2):

Natera, Inc.
Classification: Pathogenic for CFTR-related disorders. Last evaluated: 2024-04-25. Review status: criteria provided, single submitter. Criteria: Natera Variant Classification Schema (03/2026). Collection method: clinical testing. Allele origin: germline.
Comment: The c.393delT variant in CFTR is a frameshift variant predicted to shift the reading frame beginning at codon 131 and leads to a stop codon 3 codons downstream. This variant is expected to result in nonsense mediated decay, truncation, or a dysfunctional protein product. This variant is rare in the general population with a frequency below the threshold expected for the associated phenotype(s). This variant has been observed in one or more individuals affected with the associated recessive disease, as either homozygous or compound heterozygous with a second variant (PMID: 10502789). Given the available evidence, this variant is classified as Pathogenic.

ClinVar Staff, National Center for Biotechnology Information (NCBI)
No classification provided. Condition: CFTR-related disorders. Review status: no classification provided. Collection method: literature only. Allele origin: germline. Affected: yes. Not counted in ClinVar's aggregate classification.

Literature cited by the submitters: PubMed 10502789 (cited by Natera, Inc. and ClinVar Staff, National Center for Biotechnology Information (NCBI)).